The following is an entry in ClinVar:

NM_003743.5(NCOA1):c.1183T>C (p.Ser395Pro)

Gene: NCOA1 (nuclear receptor coactivator 1; plus strand). Cytogenetic location: 2p23.3.
Variant type: single nucleotide variant.
Coding change: c.1183T>C on transcript NM_003743.5 (MANE Select); coding-DNA position 1183, T replaced by C.
Protein change: p.Ser395Pro; replaces serine 395 with proline.
Molecular consequence: missense variant.
Genome position (GRCh38, 1-based): chr2:24,706,653, T>C. VCF-style: chr2-24706653-T-C. GRCh37 (hg19) VCF-style: chr2-24929522-T-C.
Other names: c.1183T>C, p.Ser395Pro (NM_001362950.1, NM_001362952.1, NM_001362954.1 and 3 more transcripts); short protein forms S395P.
Identifiers: ClinVar variation 4995834 (VCV004995834.1).

ClinVar aggregate classification (germline): Uncertain significance (1 of 4 stars; one submission).

Conditions:
NCOA1-related disorder. Also called: NCOA1-related condition.

gnomAD v4.1: 8 of 1,614,186 alleles (0.0005%); highest among the groups gnomAD compares: South Asian, 0.0088%; no homozygotes.

Submission:

PreventionGenetics, part of Exact Sciences
Classification: Uncertain significance for NCOA1-related condition. Last evaluated: 2026-04-23. Review status: criteria provided, single submitter. Criteria: ACMG Guidelines, 2015. Collection method: clinical testing. Allele origin: germline.
Comment: The NCOA1 c.1183T>C variant is predicted to result in the amino acid substitution p.Ser395Pro. To our knowledge, this variant has not been reported in the literature. This variant is reported in 0.0098% of alleles in individuals of South Asian descent in gnomAD. At this time, the clinical significance of this variant is uncertain due to the absence of conclusive functional and genetic evidence.